The following is an entry in ClinVar:

ClinVar aggregate classification (germline): Pathogenic (1 of 4 stars; one submission).

Conditions:
Hereditary pheochromocytoma and paraganglioma. Also called: Hereditary paragangliomas and pheochromocytomas; Hereditary Paraganglioma-Pheochromocytoma Syndromes; Hereditary pheochromocytoma-paraganglioma. Identifiers: Orphanet 29072, MedGen C4274332, MONDO:0017366.

Submission:

Labcorp Genetics (formerly Invitae), Labcorp
Classification: Pathogenic for Hereditary pheochromocytoma and paraganglioma. Last evaluated: 2024-03-03. Review status: criteria provided, single submitter. Criteria: Invitae Variant Classification Sherloc (09022015). Collection method: clinical testing. Allele origin: germline.
Comment: This sequence change creates a premature translational stop signal (p.His38Thrfs*27) in the MAX gene. It is expected to result in an absent or disrupted protein product. Loss-of-function variants in MAX are known to be pathogenic (PMID: 21685915, 26070438). This variant is not present in population databases (gnomAD no frequency). This variant has not been reported in the literature in individuals affected with MAX-related conditions. For these reasons, this variant has been classified as Pathogenic.

Literature cited by the submitters: PubMed 21685915; PubMed 26070438.

NM_002382.5(MAX):c.112del (p.His38fs)

Genes: MAX (MYC associated transcriptional regulator X; minus strand), MAX-AS1 (MAX antisense RNA 1; plus strand). Cytogenetic location: 14q23.3.
Variant type: Deletion.
Coding change: c.112del on transcript NM_002382.5 (MANE Select); coding-DNA position 112, one base deleted (C; older notation c.112delC).
Protein change: p.His38fs; shifts the reading frame from histidine 38.
Molecular consequence: frameshift variant. On other transcripts: non-coding transcript variant (12), 5 prime UTR variant (6), intron variant (1).
Genome position (GRCh38, 1-based): chr14:65,093,767, G deleted on the plus strand (C on the coding strand, the reverse complement: MAX is on the minus strand); the first of 2 consecutive G bases (chr14:65,093,767-65,093,768); deleting either gives the same sequence. VCF-style (leftmost placement, unchanged base first): chr14-65093766-TG-T. GRCh37 (hg19) VCF-style: chr14-65560484-TG-T.
Other names: c.85del, p.His29fs (NM_001271068.2, NM_001271069.2, NM_001407095.1 and 9 more transcripts); c.-163del (NM_001320415.2, NM_001407105.1, NM_001407106.1 and 1 more transcripts); c.112del, p.His38fs (NM_001407094.1, NM_001407096.1, NM_001407097.1 and 5 more transcripts); c.-256del (NM_001407111.1, NM_001407112.1); c.135del, p.Thr46fs (NM_001407114.1); c.63+7779del (NM_001407098.1); short protein forms H29fs, T46fs, H38fs.
Identifiers: ClinVar variation 3644266 (VCV003644266.2).